The following is an entry in ClinVar:

ClinVar aggregate classification (germline): Uncertain significance (1 of 4 stars; one submission).

Conditions:
Ellis-van Creveld syndrome (EVC). Also called: Chondroectodermal dysplasia; EVC-Related Ellis-van Creveld Syndrome; EVC2-Related Ellis-van Creveld Syndrome; MESOECTODERMAL DYSPLASIA. Identifiers: Orphanet 289, MedGen C0013903, MONDO:0009162, OMIM 225500.
Curry-Hall syndrome (WAD). Also called: WEYERS ACRODENTAL DYSOSTOSIS. Identifiers: Orphanet 952, MedGen C0457013, MONDO:0008673, OMIM 193530.

Allele frequency attached by ClinVar (database versions not stated): gnomAD exomes below 0.00001 and 0.00001; TOPMed below 0.00001; gnomAD 0.00002.
gnomAD v4.1: 10 of 1,613,756 alleles (0.00062%); highest among the groups gnomAD compares: Non-Finnish European, 0.00076%; no homozygotes.

Submission:

Labcorp Genetics (formerly Invitae), Labcorp
Classification: Uncertain significance for Curry-Hall syndrome; Ellis-van Creveld syndrome. Last evaluated: 2021-11-16. Review status: criteria provided, single submitter. Criteria: Invitae Variant Classification Sherloc (09022015). Collection method: clinical testing. Allele origin: germline.
Comment: This sequence change replaces valine, which is neutral and non-polar, with alanine, which is neutral and non-polar, at codon 209 of the EVC protein (p.Val209Ala). This variant is present in population databases (no rsID available, gnomAD 0.03%). This variant has not been reported in the literature in individuals affected with EVC-related conditions. Algorithms developed to predict the effect of missense changes on protein structure and function are either unavailable or do not agree on the potential impact of this missense change (SIFT: "Deleterious"; PolyPhen-2: "Benign"; Align-GVGD: "Class C0"). In summary, the available evidence is currently insufficient to determine the role of this variant in disease. Therefore, it has been classified as a Variant of Uncertain Significance.

NM_153717.3(EVC):c.626T>C (p.Val209Ala)

Gene: EVC (EvC ciliary complex subunit 1; plus strand). Cytogenetic location: 4p16.2.
Variant type: single nucleotide variant.
Coding change: c.626T>C on transcript NM_153717.3 (MANE Select); coding-DNA position 626, T replaced by C.
Protein change: p.Val209Ala; replaces valine 209 with alanine.
Molecular consequence: missense variant.
Genome position (GRCh38, 1-based): chr4:5,733,359, T>C. VCF-style: chr4-5733359-T-C. GRCh37 (hg19) VCF-style: chr4-5735086-T-C.
Other names: c.626T>C, p.Val209Ala (NM_001306090.2, NM_001306092.2); short protein forms V209A.
Identifiers: ClinVar variation 1522982 (VCV001522982.4), dbSNP rs1230866971, ClinGen allele CA356144131.